The following is an entry in ClinVar:

ClinVar aggregate classification (germline): Uncertain significance. Review status: criteria provided, multiple submitters, no conflicts (2 of 4 stars). 4 submissions from 4 submitters: Uncertain significance (4). Last evaluated 2026-04-17.

Conditions:
Nephrolithiasis/nephrocalcinosis. Identifiers: MedGen CN580796.
Familial hypocalciuric hypercalcemia (FHH). Also called: Familial benign hypercalcemia. Identifiers: Orphanet 405, MedGen C1809471, MONDO:0018458.
Autosomal dominant hypocalcemia 1 (HYPOC1). Also called: HYPOCALCEMIA, FAMILIAL. Identifiers: MedGen C3715128, MONDO:0011013, OMIM 601198.

Submissions (4):

Women's Health and Genetics/Laboratory Corporation of America, LabCorp
Classification: Uncertain significance. Last evaluated: 2026-04-17. Review status: criteria provided, single submitter. Criteria: LabCorp Variant Classification Summary - May 2015. Collection method: clinical testing. Allele origin: germline.
Comment: Variant summary: CASR c.449C>T (p.Ser150Phe) results in a non-conservative amino acid change in the encoded protein sequence. Algorithms developed to predict the effect of missense changes on protein structure and function all suggest that this variant is likely to be disruptive. The variant was absent in 251178 control chromosomes. c.449C>T has been observed in two individuals from one family affected with Familial Hypocalciuric Hypercalcemia (Sarli_2025). These data indicate that the variant may be associated with disease. To our knowledge, no experimental evidence demonstrating an impact on protein function has been reported. The following publication have been ascertained in the context of this evaluation (PMID: 40198177). ClinVar contains an entry for this variant (Variation ID: 585624). Based on the evidence outlined above, the variant was classified as VUS-possibly pathogenic.

Labcorp Genetics (formerly Invitae), Labcorp
Classification: Uncertain significance for Familial hypocalciuric hypercalcemia; Autosomal dominant hypocalcemia 1. Last evaluated: 2025-12-10. Review status: criteria provided, single submitter. Criteria: Invitae Variant Classification Sherloc (09022015). Collection method: clinical testing. Allele origin: germline.
Comment: This sequence change replaces serine, which is neutral and polar, with phenylalanine, which is neutral and non-polar, at codon 150 of the CASR protein (p.Ser150Phe). This variant is not present in population databases (gnomAD no frequency). This variant has not been reported in the literature in individuals affected with CASR-related conditions. ClinVar contains an entry for this variant (Variation ID: 585624). An algorithm developed to predict the effect of missense changes on protein structure and function (PolyPhen-2) suggests that this variant is likely to be disruptive. In summary, the available evidence is currently insufficient to determine the role of this variant in disease. Therefore, it has been classified as a Variant of Uncertain Significance.

Ambry Genetics
Classification: Uncertain significance for Nephrolithiasis/nephrocalcinosis. Last evaluated: 2018-12-30. Review status: criteria provided, single submitter. Criteria: Ambry Variant Classification Scheme 2023. Collection method: clinical testing. Allele origin: germline.
Comment: The p.S150F variant (also known as c.449C>T), located in coding exon 2 of the CASR gene, results from a C to T substitution at nucleotide position 449. The serine at codon 150 is replaced by phenylalanine, an amino acid with highly dissimilar properties. This amino acid position is highly conserved in available vertebrate species. In addition, this alteration is predicted to be deleterious by in silico analysis. Since supporting evidence is limited at this time, the clinical significance of this alteration remains unclear.

Athena Diagnostics
Classification: Uncertain significance. Last evaluated: 2018-02-15. Review status: criteria provided, single submitter. Criteria: Athena Diagnostics Criteria. Collection method: clinical testing. Allele origin: germline.

Literature cited by the submitters: PubMed 40198177 (cited by Women's Health and Genetics/Laboratory Corporation of America, LabCorp).

NM_000388.4(CASR):c.449C>T (p.Ser150Phe)

Gene: CASR (calcium sensing receptor; plus strand). Cytogenetic location: 3q21.1.
Variant type: single nucleotide variant.
Coding change: c.449C>T on transcript NM_000388.4 (MANE Select); coding-DNA position 449, C replaced by T.
Protein change: p.Ser150Phe; replaces serine 150 with phenylalanine.
Molecular consequence: missense variant.
Genome position (GRCh38, 1-based): chr3:122,257,344, C>T. VCF-style: chr3-122257344-C-T. GRCh37 (hg19) VCF-style: chr3-121976191-C-T.
Other names: c.449C>T, p.Ser150Phe (NM_001178065.2); short protein forms S150F.
Identifiers: ClinVar variation 585624 (VCV000585624.9), dbSNP rs1559956735, ClinGen allele CA354362920.